The following is an entry in ClinVar:

ClinVar aggregate classification (germline): Likely benign. Review status: criteria provided, multiple submitters, no conflicts (2 of 4 stars). 2 submissions from 2 submitters: Likely benign (2). Last evaluated 2026-09-02.

Conditions:
Hereditary cancer-predisposing syndrome. Also called: Neoplastic Syndromes, Hereditary; Hereditary Cancer Syndrome; Tumor predisposition; Hereditary neoplastic syndrome. Identifiers: Orphanet 140162, MedGen C0027672, MeSH D009386, MONDO:0015356.

Submissions (2):

Ambry Genetics
Classification: Likely benign for Hereditary cancer-predisposing syndrome. Last evaluated: 2026-09-02. Review status: criteria provided, single submitter. Criteria: Ambry Variant Classification Scheme 2023. Collection method: clinical testing. Allele origin: germline.

CeGaT Center for Human Genetics Tuebingen
Classification: Likely benign. Last evaluated: 2026-08-01. Review status: criteria provided, single submitter. Criteria: CeGaT Center For Human Genetics Tuebingen Variant Classification Criteria Version 2. Collection method: clinical testing. Allele origin: germline. Affected: yes. Observed: 1 variant allele.
Comment: POLE: PM2:Supporting, BP4, BP7

NM_006231.4(POLE):c.2754A>G (p.Ser918=)

Gene: POLE (DNA polymerase epsilon, catalytic subunit; minus strand). Cytogenetic location: 12q24.33.
Variant type: single nucleotide variant.
Coding change: c.2754A>G on transcript NM_006231.4 (MANE Select); coding-DNA position 2754, A replaced by G.
Protein change: p.Ser918=; no amino-acid change (serine 918 retained).
Molecular consequence: synonymous variant.
Genome position (GRCh38, 1-based): chr12:132,661,637, T>C on the plus strand (A>G on the coding strand, the complement: POLE is on the minus strand). VCF-style: chr12-132661637-T-C. GRCh37 (hg19) VCF-style: chr12-133238223-T-C.
Identifiers: ClinVar variation 5027029 (VCV005027029.2).